The following is an entry in ClinVar:

NM_000038.6(APC):c.2199G>A (p.Arg733=)

Gene: APC (APC regulator of Wnt signaling pathway; plus strand). Cytogenetic location: 5q22.2.
Variant type: single nucleotide variant.
Coding change: c.2199G>A on transcript NM_000038.6 (MANE Select); coding-DNA position 2199, G replaced by A.
Protein change: p.Arg733=; no amino-acid change (arginine 733 retained).
Molecular consequence: synonymous variant. On other transcripts: non-coding transcript variant (2).
Genome position (GRCh38, 1-based): chr5:112,837,793, G>A. VCF-style: chr5-112837793-G-A. GRCh37 (hg19) VCF-style: chr5-112173490-G-A.
Other names: c.2199G>A, p.Arg733= (NM_001127510.3, NM_001354895.2, NM_001407450.1); c.2145G>A, p.Arg715= (NM_001127511.3); c.2253G>A, p.Arg751= (NM_001354896.2, NM_001407447.1, NM_001407448.1 and 1 more transcripts); c.2229G>A, p.Arg743= (NM_001354897.2); c.2124G>A, p.Arg708= (NM_001354898.2); c.2115G>A, p.Arg705= (NM_001354899.2); c.2076G>A, p.Arg692= (NM_001354900.2); c.2022G>A, p.Arg674= (NM_001354901.2, NM_001407453.1); and 11 more.
Identifiers: ClinVar variation 3148787 (VCV003148787.1), dbSNP rs2149863061, ClinGen allele CA445963517.

ClinVar aggregate classification (germline): Benign (1 of 4 stars; one submission).

Conditions:
Familial adenomatous polyposis 1 (FAP1). Also called: POLYPOSIS, ADENOMATOUS INTESTINAL; FAMILIAL ADENOMATOUS POLYPOSIS 1, ATTENUATED. Identifiers: MedGen C2713442, MONDO:0021056, OMIM 175100. Disease mechanism: loss of function.

Submission:

Myriad Genetics, Inc.
Classification: Benign for Familial adenomatous polyposis 1. Last evaluated: 2024-03-08. Review status: criteria provided, single submitter. Criteria: Myriad Autosomal Dominant, Autosomal Recessive and X-Linked Classification Criteria (2023). Collection method: clinical testing. Allele origin: unknown.
Comment: This variant is considered benign. This variant is a silent/synonymous amino acid change and it is not expected to impact splicing.